The following is an entry in ClinVar:

ClinVar aggregate classification (germline): Uncertain significance (1 of 4 stars; one submission).

Conditions:
Deafness-lymphedema-leukemia syndrome. Also called: Lymphedema, primary, with myelodysplasia; Emberger syndrome. Identifiers: Orphanet 3226, MedGen C3279664, MONDO:0013540, OMIM 614038.
Monocytopenia with susceptibility to infections. Also called: GATA2 DEFICIENCY; MONOCYTOPENIA AND MYCOBACTERIAL INFECTION SYNDROME; MONOCYTOPENIA WITH SUSCEPTIBILITY TO MYCOBACTERIAL, FUNGAL, AND PAPILLOMAVIRUS INFECTIONS AND MYELODYSPLASIA; COMBINED IMMUNODEFICIENCY WITH SUSCEPTIBILITY TO MYCOBACTERIAL, VIRAL, AND FUNGAL INFECTIONS; Dendritic cell, monocyte, B lymphocyte, and natural killer lymphocyte deficiency; IMMUNODEFICIENCY 21. Identifiers: Orphanet 228423, MedGen C3280030, MONDO:0013607, OMIM 614172.

Allele frequency attached by ClinVar (database versions not stated): ExAC 0.00001.

Submission:

Labcorp Genetics (formerly Invitae), Labcorp
Classification: Uncertain significance for Monocytopenia with susceptibility to infections; Deafness-lymphedema-leukemia syndrome. Last evaluated: 2022-12-14. Review status: criteria provided, single submitter. Criteria: Invitae Variant Classification Sherloc (09022015). Collection method: clinical testing. Allele origin: germline.
Comment: This sequence change replaces aspartic acid, which is acidic and polar, with histidine, which is basic and polar, at codon 259 of the GATA2 protein (p.Asp259His). In summary, the available evidence is currently insufficient to determine the role of this variant in disease. Therefore, it has been classified as a Variant of Uncertain Significance. Advanced modeling of protein sequence and biophysical properties (such as structural, functional, and spatial information, amino acid conservation, physicochemical variation, residue mobility, and thermodynamic stability) has been performed at Invitae for this missense variant, however the output from this modeling did not meet the statistical confidence thresholds required to predict the impact of this variant on GATA2 protein function. This variant has not been reported in the literature in individuals affected with GATA2-related conditions. This variant is present in population databases (rs768133841, gnomAD 0.006%).

NM_032638.5(GATA2):c.775G>C (p.Asp259His)

Gene: GATA2 (GATA binding protein 2; minus strand). Cytogenetic location: 3q21.3.
Variant type: single nucleotide variant.
Coding change: c.775G>C on transcript NM_032638.5 (MANE Select); coding-DNA position 775, G replaced by C.
Protein change: p.Asp259His; replaces aspartic acid 259 with histidine.
Molecular consequence: missense variant.
Genome position (GRCh38, 1-based): chr3:128,485,823, C>G on the plus strand (G>C on the coding strand, the complement: GATA2 is on the minus strand). VCF-style: chr3-128485823-C-G. GRCh37 (hg19) VCF-style: chr3-128204666-C-G.
Other names: c.775G>C, p.Asp259His (NM_001145661.2, NM_001145662.1); short protein forms D259H.
Identifiers: ClinVar variation 1968337 (VCV001968337.5), dbSNP rs768133841, ClinGen allele CA2599964.
Genomic context (GRCh38, chr3:128,485,823, plus strand): 5'-TGAAGCTGGAGGCCGGTCCCCCCAGGAAGCCTCCGGGGTGGAAGAGTCCGCTGCTGTAGT[C>G]GTGGGCAGCCGCCGGCACATAGGAGGGGTAGGTGGGGATGGGGTGGTGTGTAGCAGGCTG-3'
Protein context (NP_116027.2, residues 249-269): YPSYVPAAAH[Asp259His]YSSGLFHPGG